The following is an entry in ClinVar:

ClinVar aggregate classification (germline): Uncertain significance (1 of 4 stars; one submission).

Conditions:
Tay-Sachs disease, variant AB. Also called: GM2 Activator Deficiency; Gm2-gangliosidosis, ab variant. Identifiers: Orphanet 309246, MedGen C0268275, MONDO:0010099, OMIM 272750.

Submission:

Labcorp Genetics (formerly Invitae), Labcorp
Classification: Uncertain significance for Tay-Sachs disease, variant AB. Last evaluated: 2022-02-09. Review status: criteria provided, single submitter. Criteria: Invitae Variant Classification Sherloc (09022015). Collection method: clinical testing. Allele origin: germline.
Comment: In summary, the available evidence is currently insufficient to determine the role of this variant in disease. Therefore, it has been classified as a Variant of Uncertain Significance. Algorithms developed to predict the effect of missense changes on protein structure and function output the following: SIFT: "Tolerated"; PolyPhen-2: "Benign"; Align-GVGD: "Class C0". The proline amino acid residue is found in multiple mammalian species, which suggests that this missense change does not adversely affect protein function. This variant has not been reported in the literature in individuals affected with GM2A-related conditions. This variant is not present in population databases (gnomAD no frequency). This sequence change replaces serine, which is neutral and polar, with proline, which is neutral and non-polar, at codon 29 of the GM2A protein (p.Ser29Pro).

NM_000405.5(GM2A):c.85T>C (p.Ser29Pro)

Gene: GM2A (ganglioside GM2 activator; plus strand). Cytogenetic location: 5q33.1.
Variant type: single nucleotide variant.
Coding change: c.85T>C on transcript NM_000405.5 (MANE Select); coding-DNA position 85, T replaced by C.
Protein change: p.Ser29Pro; replaces serine 29 with proline.
Molecular consequence: missense variant.
Genome position (GRCh38, 1-based): chr5:151,259,758, T>C. VCF-style: chr5-151259758-T-C. GRCh37 (hg19) VCF-style: chr5-150639319-T-C.
Other names: c.85T>C, p.Ser29Pro (NM_001167607.3); short protein forms S29P.
Identifiers: ClinVar variation 1388998 (VCV001388998.6), dbSNP rs1582070376, ClinGen allele CA361805725.